The following is an entry in ClinVar:

ClinVar aggregate classification (germline): Uncertain significance (1 of 4 stars; one submission).

Conditions:
TRPS1-related disorder. Also called: TRPS1-related condition.

Submission:

PreventionGenetics, part of Exact Sciences
Classification: Uncertain significance for TRPS1-related condition. Last evaluated: 2025-04-16. Review status: criteria provided, single submitter. Criteria: ACMG Guidelines, 2015. Collection method: clinical testing. Allele origin: germline.
Comment: The TRPS1 c.2843T>C variant is predicted to result in the amino acid substitution p.Ile948Thr. To our knowledge, this variant has not been reported in the literature or in a large population database (gnomAD), indicating this variant is rare. At this time, the clinical significance of this variant is uncertain due to the absence of conclusive functional and genetic evidence.

NM_014112.5(TRPS1):c.2843T>C (p.Ile948Thr)

Gene: TRPS1 (transcriptional repressor GATA binding 1; minus strand). Cytogenetic location: 8q23.3.
Variant type: single nucleotide variant.
Coding change: c.2843T>C on transcript NM_014112.5 (MANE Select); coding-DNA position 2843, T replaced by C.
Protein change: p.Ile948Thr; replaces isoleucine 948 with threonine.
Molecular consequence: missense variant.
Genome position (GRCh38, 1-based): chr8:115,415,065, A>G on the plus strand (T>C on the coding strand, the complement: TRPS1 is on the minus strand). VCF-style: chr8-115415065-A-G. GRCh37 (hg19) VCF-style: chr8-116427293-A-G.
Other names: c.2816T>C, p.Ile939Thr (NM_001282902.3); c.2822T>C, p.Ile941Thr (NM_001282903.3); c.2804T>C, p.Ile935Thr (NM_001330599.2); short protein forms I935T, I939T, I948T, I941T.
Identifiers: ClinVar variation 4999526 (VCV004999526.1).
Genomic context (GRCh38, chr8:115,415,065, plus strand): 5'-GGGTTAAGGCGCTTTCTTGTTCTCCTCCTAATAATCTGCTCACCGTTGTTTTGTTTAATG[A>G]TGTTTAAAGGCCTGGGAGTCTGCAGAGAACACATACAATACATAAAAGGAAAACATTAAA-3'
Protein context (NP_054831.2, residues 938-958): KLHSTPRPLN[Ile948Thr]IKQNNGEQII